The following is an entry in ClinVar:

ClinVar aggregate classification (germline): Benign/Likely benign. Review status: criteria provided, multiple submitters, no conflicts (2 of 4 stars). 13 submissions from 12 submitters: Benign (8); Likely benign (3). 2 of the submissions do not count toward it. Last evaluated 2026-09-01.

Conditions:
ACTG1-related disorder. Also called: ACTG1-related disorders; ACTG1-related condition.
Autosomal dominant nonsyndromic hearing loss 20. Identifiers: Orphanet 90635, MedGen C1858172, MONDO:0011480, OMIM 604717.
Baraitser-winter syndrome 2. Identifiers: Orphanet 2995, MedGen C3281235, MONDO:0013812, OMIM 614583.

Allele frequency attached by ClinVar (database versions not stated): gnomAD exomes 0.00227 and 0.00286; gnomAD 0.00262 and 0.00264; ExAC 0.00263; ESP Exome Variant Server 0.00431; TOPMed 0.00337; 1000 Genomes Project 30x 0.00219; 1000 Genomes Project 0.00220.
gnomAD v4.1: 3,733 of 1,613,850 alleles (0.23%); highest among the groups gnomAD compares: Admixed American, 0.79%; 9 homozygotes.

Submissions (13):

CeGaT Center for Human Genetics Tuebingen
Classification: Likely benign. Last evaluated: 2026-09-01. Review status: criteria provided, single submitter. Criteria: CeGaT Center For Human Genetics Tuebingen Variant Classification Criteria Version 2. Collection method: clinical testing. Allele origin: germline. Affected: yes. Observed: 22 variant alleles.
Comment: ACTG1: BP4, BP7

Labcorp Genetics (formerly Invitae), Labcorp
Classification: Benign for Baraitser-winter syndrome 2; Autosomal dominant nonsyndromic hearing loss 20. Last evaluated: 2026-02-01. Review status: criteria provided, single submitter. Criteria: Invitae Variant Classification Sherloc (09022015). Collection method: clinical testing. Allele origin: germline.

Mayo Clinic Laboratories, Mayo Clinic
Classification: Benign. Last evaluated: 2025-07-31. Review status: criteria provided, single submitter. Criteria: ACMG Guidelines, 2015. Collection method: clinical testing. Allele origin: germline. Observed: 3 variant alleles.
Comment: BS1, BS2, BP4, BP7

Blueprint Genetics
Classification: Likely benign. Last evaluated: 2024-11-19. Review status: criteria provided, single submitter. Criteria: ACMG Guidelines, 2015. Collection method: clinical testing. Allele origin: germline.

ARUP Laboratories, Molecular Genetics and Genomics, ARUP Laboratories
Classification: Benign. Last evaluated: 2023-11-22. Review status: criteria provided, single submitter. Criteria: ARUP Molecular Germline Variant Investigation Process 2024. Collection method: clinical testing. Allele origin: germline.

Genome-Nilou Lab
Classification: Benign for Baraitser-winter syndrome 2. Last evaluated: 2021-12-05. Review status: criteria provided, single submitter. Criteria: ACMG Guidelines, 2015. Collection method: clinical testing. Allele origin: germline. Affected: no.

Genome-Nilou Lab
Classification: Benign for Autosomal dominant nonsyndromic hearing loss 20. Last evaluated: 2021-12-05. Review status: criteria provided, single submitter. Criteria: ACMG Guidelines, 2015. Collection method: clinical testing. Allele origin: germline. Affected: no.

Fulgent Genetics
Classification: Likely benign for Autosomal dominant nonsyndromic hearing loss 20; Baraitser-winter syndrome 2. Last evaluated: 2021-08-17. Review status: criteria provided, single submitter. Criteria: ACMG Guidelines, 2015. Collection method: clinical testing. Allele origin: unknown.

GeneDx
Classification: Benign. Last evaluated: 2017-02-06. Review status: criteria provided, single submitter. Criteria: GeneDx Variant Classification (06012015). Collection method: clinical testing. Allele origin: germline. Affected: yes.
Comment: This variant is considered likely benign or benign based on one or more of the following criteria: it is a conservative change, it occurs at a poorly conserved position in the protein, it is predicted to be benign by multiple in silico algorithms, and/or has population frequency not consistent with disease.

Laboratory for Molecular Medicine, Mass General Brigham Personalized Medicine
Classification: Benign. Last evaluated: 2013-01-17. Review status: criteria provided, single submitter. Criteria: LMM Criteria. Collection method: clinical testing. Allele origin: germline. Observed: 17 variant alleles.
Comment: Asp157Asp in exon 4 of ACTG1: This variant is not expected to have clinical sign ificance because it does not alter an amino acid residue, is not located within the splice consensus sequence, and it has been identified in 0.5% (39/8600) of E uropean American chromosomes from a broad population by the NHLBI Exome Sequenci ng Project (dbSNP rs11549222)

Breakthrough Genomics
Classification: Benign. Review status: criteria provided, single submitter. Criteria: ACMG Guidelines, 2015. Collection method: not provided. Allele origin: germline. Inheritance: Autosomal dominant inheritance. Affected: yes.

PreventionGenetics, part of Exact Sciences
Classification: Benign for ACTG1-related condition. Last evaluated: 2021-01-28. Review status: no assertion criteria provided. Collection method: clinical testing. Allele origin: germline. Not counted in ClinVar's aggregate classification.
Comment: This variant is classified as benign based on ACMG/AMP sequence variant interpretation guidelines (Richards et al. 2015 PMID: 25741868, with internal and published modifications).

Genetic Services Laboratory, University of Chicago
Classification: Likely benign for AllHighlyPenetrant. Review status: no assertion criteria provided. Collection method: clinical testing. Allele origin: germline. Inheritance: Autosomal recessive inheritance. Not counted in ClinVar's aggregate classification.
Comment: Likely benign based on allele frequency in 1000 Genomes Project or ESP global frequency and its presence in a patient with a rare or unrelated disease phenotype. NOT Sanger confirmed.

NM_001614.5(ACTG1):c.471C>T (p.Asp157=)

Gene: ACTG1 (actin gamma 1; minus strand). Cytogenetic location: 17q25.3.
Variant type: single nucleotide variant.
Coding change: c.471C>T on transcript NM_001614.5 (MANE Select); coding-DNA position 471, C replaced by T.
Protein change: p.Asp157=; no amino-acid change (aspartic acid 157 retained).
Molecular consequence: synonymous variant. On other transcripts: non-coding transcript variant (1).
Genome position (GRCh38, 1-based): chr17:81,511,519, G>A on the plus strand (C>T on the coding strand, the complement: ACTG1 is on the minus strand). VCF-style: chr17-81511519-G-A. GRCh37 (hg19) VCF-style: chr17-79478545-G-A.
Other names: p.Asp157=; c.471C>T, p.Asp157= (NM_001199954.3).
Identifiers: ClinVar variation 44148 (VCV000044148.58), dbSNP rs11549222, ClinGen allele CA133673.